The following is an entry in ClinVar:

NM_000384.3(APOB):c.3971A>C (p.Lys1324Thr)

Gene: APOB (apolipoprotein B; minus strand). Cytogenetic location: 2p24.1.
Variant type: single nucleotide variant.
Coding change: c.3971A>C on transcript NM_000384.3 (MANE Select); coding-DNA position 3971, A replaced by C.
Protein change: p.Lys1324Thr; replaces lysine 1324 with threonine.
Molecular consequence: missense variant.
Genome position (GRCh38, 1-based): chr2:21,013,405, T>G on the plus strand (A>C on the coding strand, the complement: APOB is on the minus strand). VCF-style: chr2-21013405-T-G. GRCh37 (hg19) VCF-style: chr2-21236277-T-G.
Other names: short protein forms K1324T.
Identifiers: ClinVar variation 544105 (VCV000544105.20), dbSNP rs763846768, ClinGen allele CA060254.

ClinVar aggregate classification (germline): Likely benign. Review status: criteria provided, multiple submitters, no conflicts (2 of 4 stars). 3 submissions from 3 submitters: Likely benign (3). Last evaluated 2026-07-01.

Conditions:
Cardiovascular phenotype. Identifiers: MedGen CN230736.
Familial hypobetalipoproteinemia 1. Also called: APOB-Related Familial Hypobetalipoproteinemia; Hypobetalipoproteinemia, normotriglyceridemic; Acanthocytosis with hypobetalipoproteinemia. Identifiers: MedGen C4551990, MONDO:0014252, OMIM 615558.
Hypercholesterolemia, autosomal dominant, type B (FHCL2). Also called: HYPERCHOLESTEROLEMIA, FAMILIAL, DUE TO LIGAND-DEFECTIVE APOLIPOPROTEIN B; Familial Hypercholesterolemia Type B; Familial hypercholesterolemia 2; APOB-Related Familial Hypercholesterolemia, Autosomal Dominant; Hyperlipoproteinemia Type IIb; APOLIPOPROTEIN B-100, FAMILIAL DEFECTIVE. Identifiers: MedGen C1704417, MONDO:0007751, OMIM 144010.

Allele frequency attached by ClinVar (database versions not stated): gnomAD 0.00002 and 0.00003; TOPMed 0.00005; gnomAD exomes 0.00008 and 0.00018; ExAC 0.00014.
gnomAD v4.1: 54 of 1,614,060 alleles (0.0033%); highest among the groups gnomAD compares: Admixed American, 0.082%; no homozygotes.

Submissions (3):

CeGaT Center for Human Genetics Tuebingen
Classification: Likely benign. Last evaluated: 2026-07-01. Review status: criteria provided, single submitter. Criteria: CeGaT Center For Human Genetics Tuebingen Variant Classification Criteria Version 2. Collection method: clinical testing. Allele origin: germline. Affected: yes. Observed: 1 variant allele.
Comment: APOB: BP4

Labcorp Genetics (formerly Invitae), Labcorp
Classification: Likely benign for Familial hypobetalipoproteinemia 1; Hypercholesterolemia, autosomal dominant, type B. Last evaluated: 2025-07-22. Review status: criteria provided, single submitter. Criteria: Invitae Variant Classification Sherloc (09022015). Collection method: clinical testing. Allele origin: germline.

Ambry Genetics
Classification: Likely benign for Cardiovascular phenotype. Last evaluated: 2024-09-27. Review status: criteria provided, single submitter. Criteria: Ambry Variant Classification Scheme 2023. Collection method: clinical testing. Allele origin: germline.